The following is an entry in ClinVar:

NM_001127222.2(CACNA1A):c.4297C>T (p.Arg1433Trp)

Gene: CACNA1A (calcium voltage-gated channel subunit alpha1 A; minus strand). Cytogenetic location: 19p13.13.
Variant type: single nucleotide variant.
Coding change: c.4297C>T on transcript NM_001127222.2 (MANE Select); coding-DNA position 4297, C replaced by T.
Protein change: p.Arg1433Trp; replaces arginine 1433 with tryptophan.
Molecular consequence: missense variant.
Genome position (GRCh38, 1-based): chr19:13,259,655, G>A on the plus strand (C>T on the coding strand, the complement: CACNA1A is on the minus strand). VCF-style: chr19-13259655-G-A. GRCh37 (hg19) VCF-style: chr19-13370469-G-A.
Other names: c.4309C>T, p.Arg1437Trp (NM_000068.4, NM_023035.3); c.4300C>T, p.Arg1434Trp (NM_001127221.2, NM_001174080.2); c.4297C>T (NM_001127222.1); short protein forms R1433W, R1434W, R1437W.
Identifiers: ClinVar variation 932695 (VCV000932695.70), dbSNP rs1275025158, ClinGen allele CA404339403.

ClinVar aggregate classification (germline): Uncertain significance. Review status: criteria provided, multiple submitters, no conflicts (2 of 4 stars). 5 submissions from 5 submitters: Uncertain significance (5). Last evaluated 2024-03-03.

Conditions:
Spinocerebellar ataxia type 6 (SCA6). Identifiers: Orphanet 98758, MedGen C0752124, MONDO:0008457, OMIM 183086.
Inborn genetic diseases. Identifiers: MedGen C0950123, MeSH D030342.
Episodic ataxia type 2 (EA2). Also called: ACETAZOLAMIDE-RESPONSIVE HEREDITARY PAROXYSMAL CEREBELLAR ATAXIA; EPISODIC ATAXIA, NYSTAGMUS-ASSOCIATED; ATAXIA, EPISODIC, WITH NYSTAGMUS; ATAXIA, FAMILIAL PAROXYSMAL; CEREBELLAR ATAXIA, PAROXYSMAL, ACETAZOLAMIDE-RESPONSIVE; CEREBELLOPATHY, HEREDITARY PAROXYSMAL. Identifiers: Orphanet 97, MedGen C1720416, MONDO:0007163, OMIM 108500.
Developmental and epileptic encephalopathy, 42 (DEE42A). Also called: DEVELOPMENTAL AND EPILEPTIC ENCEPHALOPATHY 42A; EPILEPTIC ENCEPHALOPATHY, EARLY INFANTILE, 42A; Epileptic encephalopathy, early infantile, 42. Identifiers: MedGen C4310716, MONDO:0014917, OMIM 617106.

Submissions (5):

Labcorp Genetics (formerly Invitae), Labcorp
Classification: Uncertain significance for Developmental and epileptic encephalopathy, 42; Episodic ataxia type 2. Last evaluated: 2024-03-03. Review status: criteria provided, single submitter. Criteria: Invitae Variant Classification Sherloc (09022015). Collection method: clinical testing. Allele origin: germline.
Comment: This sequence change replaces arginine, which is basic and polar, with tryptophan, which is neutral and slightly polar, at codon 1434 of the CACNA1A protein (p.Arg1434Trp). This variant is not present in population databases (gnomAD no frequency). This variant has not been reported in the literature in individuals affected with CACNA1A-related conditions. ClinVar contains an entry for this variant (Variation ID: 932695). Advanced modeling of protein sequence and biophysical properties (such as structural, functional, and spatial information, amino acid conservation, physicochemical variation, residue mobility, and thermodynamic stability) performed at Invitae indicates that this missense variant is expected to disrupt CACNA1A protein function with a positive predictive value of 95%. In summary, the available evidence is currently insufficient to determine the role of this variant in disease. Therefore, it has been classified as a Variant of Uncertain Significance.

Neurometabolic Diseases Laboratory, Bellvitge Biomedical Research Institute (IDIBELL)
Classification: Uncertain significance for Spinocerebellar ataxia type 6. Last evaluated: 2023-04-27. Review status: criteria provided, single submitter. Criteria: ACMG Guidelines, 2015. Collection method: research. Allele origin: germline. Affected: yes.

Blueprint Genetics
Classification: Uncertain significance. Last evaluated: 2021-12-17. Review status: criteria provided, single submitter. Criteria: ACMG Guidelines, 2015. Collection method: clinical testing. Allele origin: germline.

Ambry Genetics
Classification: Uncertain significance for Inborn genetic diseases. Last evaluated: 2021-11-17. Review status: criteria provided, single submitter. Criteria: Ambry Variant Classification Scheme 2023. Collection method: clinical testing. Allele origin: germline.
Comment: The c.4300C>T (p.R1434W) alteration is located in coding exon 27 of the CACNA1A gene. This alteration results from a C to T substitution at nucleotide position 4300, causing the arginine (R) at amino acid position 1434 to be replaced by a tryptophan (W). This variant was not reported in population-based cohorts in the Genome Aggregation Database (gnomAD). This amino acid position is highly conserved in available vertebrate species. This missense alteration is located in a region that has a low rate of benign missense variation (Lek, 2016; Firth, 2009). This alteration is predicted to be deleterious by in silico analysis. Based on insufficient or conflicting evidence, the clinical significance of this alteration remains unclear.

CeGaT Center for Human Genetics Tuebingen
Classification: Uncertain significance. Last evaluated: 2020-04-01. Review status: criteria provided, single submitter. Criteria: CeGaT Center For Human Genetics Tuebingen Variant Classification Criteria Version 2. Collection method: clinical testing. Allele origin: germline. Affected: yes. Observed: 1 variant allele.